The following is an entry in ClinVar:

ClinVar aggregate classification (germline): Likely benign (1 of 4 stars; one submission).

Submission:

CeGaT Center for Human Genetics Tuebingen
Classification: Likely benign. Last evaluated: 2025-09-01. Review status: criteria provided, single submitter. Criteria: CeGaT Center For Human Genetics Tuebingen Variant Classification Criteria Version 2. Collection method: clinical testing. Allele origin: germline. Affected: yes. Observed: 1 variant allele.
Comment: FAM230A: BP4, BP7

NC_000022.11:g.20356675G>C

Variant type: single nucleotide variant.
Genome position: GRCh38 VCF-style: chr22-20356675-G-C. GRCh37 (hg19) VCF-style: chr22-20710965-G-C.
Identifiers: ClinVar variation 4280979 (VCV004280979.7).